The following is an entry in ClinVar:

ClinVar aggregate classification (germline): Benign. Review status: criteria provided, multiple submitters, no conflicts (2 of 4 stars). 2 submissions from 2 submitters: Benign (2). Last evaluated 2026-02-04.

Conditions:
Sulfite oxidase deficiency due to molybdenum cofactor deficiency type A. Also called: Molybdenum Cofactor Deficiency A; Molybdenum cofactor deficiency, complementation group A. Identifiers: Orphanet 308386, Orphanet 833, MedGen C1854988, MONDO:0009643, OMIM 252150.

Allele frequency attached by ClinVar (database versions not stated): ESP Exome Variant Server 0.03524; 1000 Genomes Project 30x 0.03670; 1000 Genomes Project 0.03734; TOPMed 0.04028.
gnomAD v4.1: 31,431 of 1,613,336 alleles (1.9%); highest among the groups gnomAD compares: African/African-American, 9%; 624 homozygotes.

Submissions (2):

Labcorp Genetics (formerly Invitae), Labcorp
Classification: Benign for Sulfite oxidase deficiency due to molybdenum cofactor deficiency type A. Last evaluated: 2026-02-04. Review status: criteria provided, single submitter. Criteria: Invitae Variant Classification Sherloc (09022015). Collection method: clinical testing. Allele origin: germline.

Illumina Laboratory Services, Illumina
Classification: Benign for Sulfite oxidase deficiency due to molybdenum cofactor deficiency type A. Last evaluated: 2018-01-12. Review status: criteria provided, single submitter. Criteria: ICSL Variant Classification Criteria 13 December 2019. Collection method: clinical testing. Allele origin: germline.
Comment: This variant was observed in the ICSL laboratory as part of a predisposition screen in an ostensibly healthy population. It had not been previously curated by ICSL or reported in the Human Gene Mutation Database (HGMD: prior to June 1st, 2018), and was therefore a candidate for classification through an automated scoring system. Utilizing variant allele frequency, disease prevalence and penetrance estimates, and inheritance mode, an automated score was calculated to assess if this variant is too frequent to cause the disease. Based on the score and internal cut-off values, a variant classified as benign is not then subjected to further curation. The score for this variant resulted in a classification of benign for this disease.

NM_001358530.2(MOCS1):c.1212G>C (p.Pro404=)

Gene: MOCS1 (molybdenum cofactor synthesis 1; minus strand). Cytogenetic location: 6p21.2.
Variant type: single nucleotide variant.
Coding change: c.1212G>C on transcript NM_001358530.2 (MANE Select); coding-DNA position 1212, G replaced by C.
Protein change: p.Pro404=; no amino-acid change (proline 404 retained).
Molecular consequence: synonymous variant. On other transcripts: 3 prime UTR variant (4), non-coding transcript variant (1).
Genome position (GRCh38, 1-based): chr6:39,907,056, C>G on the plus strand (G>C on the coding strand, the complement: MOCS1 is on the minus strand). VCF-style: chr6-39907056-C-G. GRCh37 (hg19) VCF-style: chr6-39874832-C-G.
Other names: c.*69G>C (NM_001075098.4, NM_001358533.2, NM_001358534.2 and 1 more transcripts); c.1164G>C, p.Pro388= (NM_001358529.2); c.951G>C, p.Pro317= (NM_001358531.2).
Identifiers: ClinVar variation 356651 (VCV000356651.12), dbSNP rs11969233, ClinGen allele CA3795982.